The following is an entry in ClinVar:

ClinVar aggregate classification (germline): Uncertain significance. Review status: criteria provided, multiple submitters, no conflicts (2 of 4 stars). 2 submissions from 2 submitters: Uncertain significance (2). Last evaluated 2022-11-06.

Conditions:
Multiple endocrine neoplasia, type 2 (MEN2). Identifiers: Orphanet 653, MedGen C4048306, MONDO:0019003. Disease mechanism: gain of function.
Hereditary cancer-predisposing syndrome. Also called: Hereditary Cancer Syndrome; Hereditary neoplastic syndrome; Tumor predisposition; Neoplastic Syndromes, Hereditary. Identifiers: Orphanet 140162, MedGen C0027672, MeSH D009386, MONDO:0015356.

Submissions (2):

Ambry Genetics
Classification: Uncertain significance for Hereditary cancer-predisposing syndrome. Last evaluated: 2022-11-06. Review status: criteria provided, single submitter. Criteria: Ambry Variant Classification Scheme 2023. Collection method: clinical testing. Allele origin: germline.
Comment: The p.L239P variant (also known as c.716T>C), located in coding exon 4 of the RET gene, results from a T to C substitution at nucleotide position 716. The leucine at codon 239 is replaced by proline, an amino acid with similar properties. This amino acid position is conserved. In addition, this alteration is predicted to be deleterious by in silico analysis. Since supporting evidence is limited at this time, the clinical significance of this alteration remains unclear.

Labcorp Genetics (formerly Invitae), Labcorp
Classification: Uncertain significance for Multiple endocrine neoplasia, type 2. Last evaluated: 2022-08-25. Review status: criteria provided, single submitter. Criteria: Invitae Variant Classification Sherloc (09022015). Collection method: clinical testing. Allele origin: germline.
Comment: This sequence change replaces leucine, which is neutral and non-polar, with proline, which is neutral and non-polar, at codon 239 of the RET protein (p.Leu239Pro). In summary, the available evidence is currently insufficient to determine the role of this variant in disease. Therefore, it has been classified as a Variant of Uncertain Significance. Algorithms developed to predict the effect of missense changes on protein structure and function are either unavailable or do not agree on the potential impact of this missense change (SIFT: "Deleterious"; PolyPhen-2: "Probably Damaging"; Align-GVGD: "Class C0"). This variant has not been reported in the literature in individuals affected with RET-related conditions. This variant is not present in population databases (gnomAD no frequency).

NM_020975.6(RET):c.716T>C (p.Leu239Pro)

Gene: RET (ret proto-oncogene; plus strand). Cytogenetic location: 10q11.21.
Variant type: single nucleotide variant.
Coding change: c.716T>C on transcript NM_020975.6 (MANE Select); coding-DNA position 716, T replaced by C.
Protein change: p.Leu239Pro; replaces leucine 239 with proline.
Molecular consequence: missense variant.
Genome position (GRCh38, 1-based): chr10:43,105,042, T>C. VCF-style: chr10-43105042-T-C. GRCh37 (hg19) VCF-style: chr10-43600490-T-C.
Other names: c.716T>C, p.Leu239Pro (NM_000323.2, NM_001406743.1, NM_001406744.1 and 8 more transcripts); c.-47T>C (NM_001355216.2); c.587T>C, p.Leu196Pro (NM_001406761.1, NM_001406762.1, NM_001406764.1 and 2 more transcripts); c.428T>C, p.Leu143Pro (NM_001406766.1, NM_001406767.1, NM_001406770.1); short protein forms L143P, L239P, L196P.
Identifiers: ClinVar variation 1957836 (VCV001957836.7), dbSNP rs2538386298, ClinGen allele CA376544705.